The following is an entry in ClinVar:

ClinVar aggregate classification (germline): Uncertain significance (1 of 4 stars; one submission).

Allele frequency attached by ClinVar (database versions not stated): gnomAD exomes 0.00001.
gnomAD v4.1: 10 of 1,614,174 alleles (0.00062%); highest among the groups gnomAD compares: Non-Finnish European, 0.00085%; no homozygotes.

Submission:

Labcorp Genetics (formerly Invitae), Labcorp
Classification: Uncertain significance. Last evaluated: 2022-07-05. Review status: criteria provided, single submitter. Criteria: Invitae Variant Classification Sherloc (09022015). Collection method: clinical testing. Allele origin: germline.
Comment: In summary, the available evidence is currently insufficient to determine the role of this variant in disease. Therefore, it has been classified as a Variant of Uncertain Significance. Algorithms developed to predict the effect of missense changes on protein structure and function (SIFT, PolyPhen-2, Align-GVGD) all suggest that this variant is likely to be tolerated. This variant has not been reported in the literature in individuals affected with MCM3AP-related conditions. This variant is not present in population databases (gnomAD no frequency). This sequence change replaces glycine, which is neutral and non-polar, with arginine, which is basic and polar, at codon 237 of the MCM3AP protein (p.Gly237Arg).

NM_003906.5(MCM3AP):c.709G>A (p.Gly237Arg)

Gene: MCM3AP (minichromosome maintenance complex component 3 associated protein; minus strand). Cytogenetic location: 21q22.3.
Variant type: single nucleotide variant.
Coding change: c.709G>A on transcript NM_003906.5 (MANE Select); coding-DNA position 709, G replaced by A.
Protein change: p.Gly237Arg; replaces glycine 237 with arginine.
Molecular consequence: missense variant.
Genome position (GRCh38, 1-based): chr21:46,284,578, C>T on the plus strand (G>A on the coding strand, the complement: MCM3AP is on the minus strand). VCF-style: chr21-46284578-C-T. GRCh37 (hg19) VCF-style: chr21-47704492-C-T.
Other names: short protein forms G237R.
Identifiers: ClinVar variation 1988511 (VCV001988511.4), dbSNP rs927719029, ClinGen allele CA321980357.